The following is an entry in ClinVar:

NM_004168.4(SDHA):c.644A>G (p.Tyr215Cys)

Gene: SDHA (succinate dehydrogenase complex flavoprotein subunit A; plus strand). Cytogenetic location: 5p15.33.
Variant type: single nucleotide variant.
Coding change: c.644A>G on transcript NM_004168.4 (MANE Select); coding-DNA position 644, A replaced by G.
Protein change: p.Tyr215Cys; replaces tyrosine 215 with cysteine.
Molecular consequence: missense variant.
Genome position (GRCh38, 1-based): chr5:228,207, A>G. VCF-style: chr5-228207-A-G. GRCh37 (hg19) VCF-style: chr5-228322-A-G.
Other names: c.500A>G, p.Tyr167Cys (NM_001294332.2); c.644A>G, p.Tyr215Cys (NM_001330758.2); short protein forms Y167C, Y215C.
Identifiers: ClinVar variation 653195 (VCV000653195.14), dbSNP rs781660628, ClinGen allele CA3172934.

ClinVar aggregate classification (germline): Uncertain significance. Review status: criteria provided, multiple submitters, no conflicts (2 of 4 stars). 2 submissions from 2 submitters: Uncertain significance (2). Last evaluated 2025-09-12.

Conditions:
Pheochromocytoma/paraganglioma syndrome 5. Also called: Paragangliomas 5; SDHA-Related Hereditary Paraganglioma-Pheochromocytoma Syndrome. Identifiers: Orphanet 29072, MedGen C3279992, MONDO:0013602, OMIM 614165.
Mitochondrial complex II deficiency, nuclear type 1. Also called: SUCCINATE CoQ REDUCTASE DEFICIENCY. Identifiers: Orphanet 3208, MedGen C5700310, MONDO:0100294, OMIM 252011.
Hereditary cancer-predisposing syndrome. Also called: Tumor predisposition; Neoplastic Syndromes, Hereditary; Hereditary Cancer Syndrome; Hereditary neoplastic syndrome. Identifiers: Orphanet 140162, MedGen C0027672, MeSH D009386, MONDO:0015356.

Allele frequency attached by ClinVar (database versions not stated): gnomAD exomes 0.00001 and 0.00006; ExAC 0.00041.
gnomAD v4.1: 18 of 1,613,160 alleles (0.0011%); highest among the groups gnomAD compares: Non-Finnish European, 0.0014%; no homozygotes.

Submissions (2):

Labcorp Genetics (formerly Invitae), Labcorp
Classification: Uncertain significance for Pheochromocytoma/paraganglioma syndrome 5; Mitochondrial complex II deficiency, nuclear type 1. Last evaluated: 2025-09-12. Review status: criteria provided, single submitter. Criteria: Invitae Variant Classification Sherloc (09022015). Collection method: clinical testing. Allele origin: germline.
Comment: This sequence change replaces tyrosine, which is neutral and polar, with cysteine, which is neutral and slightly polar, at codon 215 of the SDHA protein (p.Tyr215Cys). The frequency data for this variant in the population databases is considered unreliable, as metrics indicate poor data quality at this position in the gnomAD database. This variant has not been reported in the literature in individuals affected with SDHA-related conditions. ClinVar contains an entry for this variant (Variation ID: 653195). Invitae Evidence Modeling of protein sequence and biophysical properties (such as structural, functional, and spatial information, amino acid conservation, physicochemical variation, residue mobility, and thermodynamic stability) indicates that this missense variant is not expected to disrupt SDHA protein function with a negative predictive value of 95%. In summary, the available evidence is currently insufficient to determine the role of this variant in disease. Therefore, it has been classified as a Variant of Uncertain Significance.

Ambry Genetics
Classification: Uncertain significance for Hereditary cancer-predisposing syndrome. Last evaluated: 2024-11-28. Review status: criteria provided, single submitter. Criteria: Ambry Variant Classification Scheme 2023. Collection method: clinical testing. Allele origin: germline.
Comment: The p.Y215C variant (also known as c.644A>G), located in coding exon 6 of the SDHA gene, results from an A to G substitution at nucleotide position 644. The tyrosine at codon 215 is replaced by cysteine, an amino acid with highly dissimilar properties. This amino acid position is highly conserved in available vertebrate species. In addition, this alteration is predicted to be deleterious by in silico analysis. Since supporting evidence is limited at this time, the clinical significance of this alteration remains unclear.